The following is an entry in ClinVar:

ClinVar aggregate classification (germline): Conflicting classifications of pathogenicity. Review status: criteria provided, conflicting classifications (1 of 4 stars). 3 submissions from 3 submitters: Uncertain significance (2); Likely benign (1). Last evaluated 2025-07-21.

Conditions:
Primary ciliary dyskinesia. Also called: Ciliary dyskinesia. Identifiers: Orphanet 244, MedGen C0008780, MONDO:0016575, HP:0012265.
Primary ciliary dyskinesia 3. Identifiers: Orphanet 244, MedGen C1837618, MONDO:0012085, OMIM 608644.

Allele frequency attached by ClinVar (database versions not stated): TOPMed 0.00004; gnomAD 0.00005 and 0.00007; ExAC 0.00007; gnomAD exomes 0.00007 and 0.00008; 1000 Genomes Project 30x 0.00031; 1000 Genomes Project 0.00040.
gnomAD v4.1: 133 of 1,614,194 alleles (0.0082%); highest among the groups gnomAD compares: East Asian, 0.29%; 1 homozygote.

Submissions (3):

Labcorp Genetics (formerly Invitae), Labcorp
Classification: Likely benign for Primary ciliary dyskinesia. Last evaluated: 2025-07-21. Review status: criteria provided, single submitter. Criteria: Invitae Variant Classification Sherloc (09022015). Collection method: clinical testing. Allele origin: germline.

Illumina Laboratory Services, Illumina
Classification: Uncertain significance for Primary ciliary dyskinesia 3. Last evaluated: 2018-01-13. Review status: criteria provided, single submitter. Criteria: ICSL Variant Classification Criteria 13 December 2019. Collection method: clinical testing. Allele origin: germline.

Ambry Genetics
Classification: Uncertain significance for Primary ciliary dyskinesia. Last evaluated: 2014-09-19. Review status: criteria provided, single submitter. Criteria: Ambry Variant Classification Scheme 2023. Collection method: clinical testing. Allele origin: germline.
Comment: The p.I2018T variant (also known as c.6053T>C), located in coding exon 36 of the DNAH5 gene, results from a T to C substitution at nucleotide position 6053. The isoleucine at codon 2018 is replaced by threonine, an amino acid with similar properties. This variant was previously reported in the SNPDatabase as rs117989731. Based on data from the 1000 Genomes Project, the C allele has an overall frequency of approximately 0.1% (2/2098) total alleles studied. The highest observed frequency was 0.56% (1/178) Japanese alleles. This nucleotide and amino acid position are both highly conserved in available vertebrate species. In addition, the in silico prediction for this alteration is inconclusive. Since supporting evidence is limited at this time, the clinical significance of p.I2018T remains unclear.

NM_001369.3(DNAH5):c.6053T>C (p.Ile2018Thr)

Gene: DNAH5 (dynein axonemal heavy chain 5; minus strand). Cytogenetic location: 5p15.2.
Variant type: single nucleotide variant.
Coding change: c.6053T>C on transcript NM_001369.3 (MANE Select); coding-DNA position 6053, T replaced by C.
Protein change: p.Ile2018Thr; replaces isoleucine 2018 with threonine.
Molecular consequence: missense variant.
Genome position (GRCh38, 1-based): chr5:13,830,605, A>G on the plus strand (T>C on the coding strand, the complement: DNAH5 is on the minus strand). VCF-style: chr5-13830605-A-G. GRCh37 (hg19) VCF-style: chr5-13830714-A-G.
Other names: short protein forms I2018T.
Identifiers: ClinVar variation 905154 (VCV000905154.14), dbSNP rs117989731, ClinGen allele CA3203497.